The following is an entry in ClinVar:

ClinVar aggregate classification (germline): Uncertain significance. Review status: criteria provided, multiple submitters, no conflicts (2 of 4 stars). 3 submissions from 3 submitters: Uncertain significance (3). Last evaluated 2026-08-12.

Conditions:
PEX11B-related disorder. Also called: PEX11B-related condition.

Allele frequency attached by ClinVar (database versions not stated): TOPMed below 0.00001; gnomAD 0.00001.
gnomAD v4.1: 9 of 1,613,932 alleles (0.00056%); highest among the groups gnomAD compares: Admixed American, 0.015%; no homozygotes.

Submissions (3):

PreventionGenetics, part of Exact Sciences
Classification: Uncertain significance for PEX11B-related condition. Last evaluated: 2026-08-12. Review status: criteria provided, single submitter. Criteria: ACMG Guidelines, 2015. Collection method: clinical testing. Allele origin: germline.
Comment: The PEX11B c.613C>T variant is predicted to result in the amino acid substitution p.Pro205Ser. To our knowledge, this variant has not been reported in the literature. This variant is reported in 0.023% of alleles in individuals of Latino descent in gnomAD. At this time, the clinical significance of this variant is uncertain due to the absence of conclusive functional and genetic evidence.

Labcorp Genetics (formerly Invitae), Labcorp
Classification: Uncertain significance. Last evaluated: 2022-03-18. Review status: criteria provided, single submitter. Criteria: Invitae Variant Classification Sherloc (09022015). Collection method: clinical testing. Allele origin: germline.
Comment: This sequence change replaces proline, which is neutral and non-polar, with serine, which is neutral and polar, at codon 205 of the PEX11B protein (p.Pro205Ser). This variant is present in population databases (rs782621449, gnomAD 0.02%). This variant has not been reported in the literature in individuals affected with PEX11B-related conditions. ClinVar contains an entry for this variant (Variation ID: 595893). Algorithms developed to predict the effect of missense changes on protein structure and function are either unavailable or do not agree on the potential impact of this missense change (SIFT: "Deleterious"; PolyPhen-2: "Probably Damaging"; Align-GVGD: "Class C0"). In summary, the available evidence is currently insufficient to determine the role of this variant in disease. Therefore, it has been classified as a Variant of Uncertain Significance.

Eurofins Ntd Llc (ga)
Classification: Uncertain significance. Last evaluated: 2018-01-26. Review status: criteria provided, single submitter. Criteria: EGL Classification Definitions 2015. Collection method: clinical testing. Allele origin: germline. Observed: 1 variant allele, 1 heterozygote.

NM_003846.3(PEX11B):c.613C>T (p.Pro205Ser)

Gene: PEX11B (peroxisomal biogenesis factor 11 beta; minus strand). Cytogenetic location: 1q21.1.
Variant type: single nucleotide variant.
Coding change: c.613C>T on transcript NM_003846.3 (MANE Select); coding-DNA position 613, C replaced by T.
Protein change: p.Pro205Ser; replaces proline 205 with serine.
Molecular consequence: missense variant. On other transcripts: non-coding transcript variant (3).
Genome position (GRCh38, 1-based): chr1:145,912,328, G>A on the plus strand (C>T on the coding strand, the complement: PEX11B is on the minus strand). VCF-style: chr1-145912328-G-A. GRCh37 (hg19) VCF-style: chr1-145522752-C-T.
Other names: c.571C>T, p.Pro191Ser (NM_001184795.1); short protein forms P205S, P191S.
Identifiers: ClinVar variation 595893 (VCV000595893.15), dbSNP rs782621449, ClinGen allele CA1055638.